The following is an entry in ClinVar:

ClinVar aggregate classification (germline): Uncertain significance. Review status: criteria provided, multiple submitters, no conflicts (2 of 4 stars). 4 submissions from 4 submitters: Uncertain significance (4). Last evaluated 2025-06-25.

Conditions:
Loeys-Dietz syndrome (LDS). Identifiers: Orphanet 60030, MedGen C2697932, MONDO:0018954.
Familial thoracic aortic aneurysm and aortic dissection (TAAD). Also called: Thoracic aortic aneurysms and dissections. Identifiers: Orphanet 91387, MedGen C4707243, MONDO:0019625.

Allele frequency attached by ClinVar (database versions not stated): TOPMed below 0.00001; gnomAD 0.00001.
gnomAD v4.1: 2 of 1,614,050 alleles (0.00012%); highest among the groups gnomAD compares: Non-Finnish European, 0.000085%; no homozygotes.

Submissions (4):

Color Diagnostics, LLC DBA Color Health
Classification: Uncertain significance for Familial thoracic aortic aneurysm and aortic dissection. Last evaluated: 2025-06-25. Review status: criteria provided, single submitter. Criteria: ACMG Guidelines, 2015. Collection method: clinical testing. Allele origin: germline.
Comment: This missense variant replaces valine with methionine at codon 134 of the TGFBR1 protein. Computational prediction suggests that this variant may not impact protein structure and function. To our knowledge, functional studies have not been reported for this variant. This variant has not been reported in individuals affected with TGFBR1-related disorders in the literature. This variant has not been identified in the general population by the Genome Aggregation Database (gnomAD). The available evidence is insufficient to determine the role of this variant in disease conclusively. Therefore, this variant is classified as a Variant of Uncertain Significance.

All of Us Research Program, National Institutes of Health
Classification: Uncertain significance for Loeys-Dietz syndrome. Last evaluated: 2024-04-30. Review status: criteria provided, single submitter. Criteria: ACMG Guidelines, 2015. Collection method: clinical testing. Allele origin: germline. Inheritance: Autosomal dominant inheritance. Observed: 2 variant alleles, 2 heterozygotes.
Comment: This study involves interpretation of variants in research participants for the purpose of population health screening. Participant phenotype was not available at the time of variant classification. Additional details can be found in publication PMID: 35346344, PMCID: PMC8962531

Blueprint Genetics
Classification: Uncertain significance. Last evaluated: 2024-02-05. Review status: criteria provided, single submitter. Criteria: ACMG Guidelines, 2015. Collection method: clinical testing. Allele origin: germline.

Labcorp Genetics (formerly Invitae), Labcorp
Classification: Uncertain significance for Familial thoracic aortic aneurysm and aortic dissection. Last evaluated: 2023-07-16. Review status: criteria provided, single submitter. Criteria: Invitae Variant Classification Sherloc (09022015). Collection method: clinical testing. Allele origin: germline.
Comment: This sequence change replaces valine, which is neutral and non-polar, with methionine, which is neutral and non-polar, at codon 134 of the TGFBR1 protein (p.Val134Met). In summary, the available evidence is currently insufficient to determine the role of this variant in disease. Therefore, it has been classified as a Variant of Uncertain Significance. Advanced modeling of protein sequence and biophysical properties (such as structural, functional, and spatial information, amino acid conservation, physicochemical variation, residue mobility, and thermodynamic stability) performed at Invitae indicates that this missense variant is not expected to disrupt TGFBR1 protein function. ClinVar contains an entry for this variant (Variation ID: 180538). This variant has not been reported in the literature in individuals affected with TGFBR1-related conditions. This variant is not present in population databases (gnomAD no frequency).

NM_004612.4(TGFBR1):c.400G>A (p.Val134Met)

Gene: TGFBR1 (transforming growth factor beta receptor 1; plus strand). Cytogenetic location: 9q22.33.
Variant type: single nucleotide variant.
Coding change: c.400G>A on transcript NM_004612.4 (MANE Select); coding-DNA position 400, G replaced by A.
Protein change: p.Val134Met; replaces valine 134 with methionine.
Molecular consequence: missense variant. On other transcripts: intron variant (1).
Genome position (GRCh38, 1-based): chr9:99,132,565, G>A. VCF-style: chr9-99132565-G-A. GRCh37 (hg19) VCF-style: chr9-101894847-G-A.
Other names: c.412G>A, p.Val138Met (NM_001306210.2); c.343+3465G>A (NM_001130916.3); short protein forms V134M, V138M.
Identifiers: ClinVar variation 180538 (VCV000180538.8), dbSNP rs730880222, ClinGen allele CA008549.